The following is an entry in ClinVar:

ClinVar aggregate classification (germline): Conflicting classifications of pathogenicity. Review status: criteria provided, conflicting classifications (1 of 4 stars). 3 submissions from 3 submitters: Uncertain significance (2); Likely benign (1). Last evaluated 2026-09-08.

Conditions:
Hereditary cancer-predisposing syndrome. Also called: Neoplastic Syndromes, Hereditary; Hereditary Cancer Syndrome; Tumor predisposition; Hereditary neoplastic syndrome. Identifiers: Orphanet 140162, MedGen C0027672, MeSH D009386, MONDO:0015356.
Hereditary diffuse gastric adenocarcinoma (HDGC). Also called: DIFFUSE GASTRIC AND LOBULAR BREAST CANCER SYNDROME. Identifiers: Orphanet 26106, MedGen C1708349, MONDO:0007648, OMIM 137215.

Allele frequency attached by ClinVar (database versions not stated): gnomAD exomes below 0.00001.
gnomAD v4.1: 3 of 1,614,188 alleles (0.00019%); highest among the groups gnomAD compares: Admixed American, 0.0017%; no homozygotes.

Submissions (3):

Ambry Genetics
Classification: Likely benign for Hereditary cancer-predisposing syndrome. Last evaluated: 2026-09-08. Review status: criteria provided, single submitter. Criteria: Ambry Variant Classification Scheme 2023. Collection method: clinical testing. Allele origin: germline.

Labcorp Genetics (formerly Invitae), Labcorp
Classification: Uncertain significance for Hereditary diffuse gastric adenocarcinoma. Last evaluated: 2026-01-31. Review status: criteria provided, single submitter. Criteria: Invitae Variant Classification Sherloc (09022015). Collection method: clinical testing. Allele origin: germline.
Comment: This sequence change replaces isoleucine, which is neutral and non-polar, with valine, which is neutral and non-polar, at codon 612 of the CDH1 protein (p.Ile612Val). This variant is not present in population databases (gnomAD no frequency). This variant has not been reported in the literature in individuals affected with CDH1-related conditions. ClinVar contains an entry for this variant (Variation ID: 186454). An algorithm developed to predict the effect of missense changes on protein structure and function (PolyPhen-2) suggests that this variant is likely to be tolerated. In summary, the available evidence is currently insufficient to determine the role of this variant in disease. Therefore, it has been classified as a Variant of Uncertain Significance.

Color Diagnostics, LLC DBA Color Health
Classification: Uncertain significance for Hereditary cancer-predisposing syndrome. Last evaluated: 2022-08-08. Review status: criteria provided, single submitter. Criteria: ACMG Guidelines, 2015. Collection method: clinical testing. Allele origin: germline.
Comment: This missense variant replaces isoleucine with valine at codon 612 of the CDH1 protein. To our knowledge, functional studies have not been reported for this variant. This variant has not been reported in individuals affected with hereditary cancer in the literature. This variant has not been identified in the general population by the Genome Aggregation Database (gnomAD). The available evidence is insufficient to determine the role of this variant in disease conclusively. Therefore, this variant is classified as a Variant of Uncertain Significance.

Literature cited by the submitters: PubMed 33471991 (cited by Ambry Genetics).

NM_004360.5(CDH1):c.1834A>G (p.Ile612Val)

Gene: CDH1 (cadherin 1; plus strand). Cytogenetic location: 16q22.1.
Variant type: single nucleotide variant.
Coding change: c.1834A>G on transcript NM_004360.5 (MANE Select); coding-DNA position 1834, A replaced by G.
Protein change: p.Ile612Val; replaces isoleucine 612 with valine.
Molecular consequence: missense variant. On other transcripts: 5 prime UTR variant (1).
Genome position (GRCh38, 1-based): chr16:68,822,123, A>G. VCF-style: chr16-68822123-A-G. GRCh37 (hg19) VCF-style: chr16-68856026-A-G.
Other names: c.1651A>G, p.Ile551Val (NM_001317184.2); c.286A>G, p.Ile96Val (NM_001317185.2); c.-132A>G (NM_001317186.2); c.1834A>G (LRG_301t1); short protein forms I612V, I551V, I96V.
Identifiers: ClinVar variation 186454 (VCV000186454.22), dbSNP rs786202965, ClinGen allele CA194868.